The following is an entry in ClinVar:

NM_007294.4(BRCA1):c.5560del (p.Tyr1853_Leu1854insTer)

Gene: BRCA1 (BRCA1 DNA repair associated; minus strand). Cytogenetic location: 17q21.31.
Variant type: Deletion.
Coding change: c.5560del on transcript NM_007294.4 (MANE Select); coding-DNA position 5560, one base deleted (C; older notation c.5560delC).
Protein change: p.Tyr1853_Leu1854insTer.
Molecular consequence: nonsense. On other transcripts: frameshift variant (350), 3 prime UTR variant (1), non-coding transcript variant (1).
Genome position (GRCh38, 1-based): chr17:43,045,710, G deleted on the plus strand (C on the coding strand, the reverse complement: BRCA1 is on the minus strand); the first of 2 consecutive G bases (chr17:43,045,710-43,045,711); deleting either gives the same sequence. VCF-style (leftmost placement, unchanged base first): chr17-43045709-AG-A. GRCh37 (hg19) VCF-style: chr17-41197726-AG-A.
Other names: 5679delC; c.5226delC, p.Leu1743Terfs (NM_001407948.1, NM_001407949.1, NM_001407946.1 and 1 more transcripts); c.5223delC, p.Leu1742Terfs (NM_001407950.1, NM_001407951.1, NM_001407952.1 and 3 more transcripts); c.5220delC, p.Leu1741Terfs (NM_001407956.1, NM_001407957.1, NM_001407958.1); c.5178delC, p.Leu1727Terfs (NM_001407959.1); c.5175delC, p.Leu1726Terfs (NM_001407960.1, NM_001407962.1); c.5172delC, p.Leu1725Terfs (NM_001407963.1); c.5097delC, p.Leu1700Terfs (NM_001407964.1); and 78 more.
Identifiers: ClinVar variation 266565 (VCV000266565.6), dbSNP rs886040306, ClinGen allele CA10589580.
Genomic context (GRCh38, chr17:43,045,709, plus strand): 5'-TGTGGCTCTGTACCTGTGGCTGGCTGCAGTCAGTAGTGGCTGTGGGGGATCTGGGGTATC[AG>A]GTAGGTGTCCAGCTCCTGGCACTGGTAGAGTGCTACACTGTCCAACACCCACTCTCGGGT-3'

ClinVar aggregate classification (germline): Pathogenic. Review status: reviewed by expert panel (3 of 4 stars). 2 submissions from 2 submitters: Pathogenic (1). 1 of the submissions does not count toward it. Last evaluated 2016-10-18.

Conditions:
Breast-ovarian cancer, familial, susceptibility to, 1 (BROVCA1). Also called: BRCA1 Hereditary Breast and Ovarian Cancer; OVARIAN CANCER, SUSCEPTIBILITY TO. Identifiers: Orphanet 145, MedGen C2676676, MONDO:0011450, OMIM 604370. Disease mechanism: loss of function.

Submissions (2):

Evidence-based Network for the Interpretation of Germline Mutant Alleles (ENIGMA)
Classification: Pathogenic for Breast-ovarian cancer, familial, susceptibility to, 1. Last evaluated: 2016-10-18. Review status: reviewed by expert panel. Criteria: ENIGMA BRCA1/2 Classification Criteria (2015). Collection method: curation. Allele origin: germline.
Comment: Variant allele predicted to encode a truncated non-functional protein.

Consortium of Investigators of Modifiers of BRCA1/2 (CIMBA), c/o University of Cambridge
Classification: Pathogenic for Breast-ovarian cancer, familial, susceptibility to, 1. Last evaluated: 2015-10-02. Review status: criteria provided, single submitter. Criteria: CIMBA Mutation Classification guidelines May 2016. Collection method: clinical testing. Allele origin: germline. Not counted in ClinVar's aggregate classification.